The following is an entry in ClinVar:

NM_001267550.2(TTN):c.50098dup (p.Thr16700fs)

Genes: TTN (titin; minus strand), TTN-AS1 (TTN antisense RNA 1; plus strand). Cytogenetic location: 2q31.2.
Variant type: Duplication.
Coding change: c.50098dup on transcript NM_001267550.2 (MANE Select); coding-DNA position 50098, one base duplicated (A; older notation c.50098dupA).
Protein change: p.Thr16700fs; shifts the reading frame from threonine 16700.
Molecular consequence: frameshift variant.
Genome position (GRCh38, 1-based): chr2:178,612,427, T duplicated on the plus strand (A on the coding strand, the reverse complement: TTN is on the minus strand); the first of 3 consecutive T bases (chr2:178,612,427-178,612,429); duplicating any one gives the same sequence. VCF-style (leftmost placement, unchanged base first): chr2-178612426-G-GT. GRCh37 (hg19) VCF-style: chr2-179477153-G-GT.
Other names: c.45175dup, p.Thr15059fs (NM_001256850.1); c.22903dup, p.Thr7635fs (NM_003319.4); c.42394dup, p.Thr14132fs (NM_133378.4); c.23278dup, p.Thr7760fs (NM_133432.3); c.23479dup, p.Thr7827fs (NM_133437.4); short protein forms T7760fs, T14132fs, T16700fs, T7635fs, T7827fs, T15059fs.
Identifiers: ClinVar variation 2948394 (VCV002948394.3), dbSNP rs2470539974, ClinGen allele CA2740096155.

ClinVar aggregate classification (germline): Likely pathogenic (1 of 4 stars; one submission).

Conditions:
Dilated cardiomyopathy 1G (CMD1G). Identifiers: Orphanet 154, MedGen C1858763, MONDO:0011400, OMIM 604145.
Autosomal recessive limb-girdle muscular dystrophy type 2J (LGMDR10). Also called: Limb-girdle muscular dystrophy, type 2J; MUSCULAR DYSTROPHY, LIMB-GIRDLE, AUTOSOMAL RECESSIVE 10. Identifiers: Orphanet 140922, MedGen C1837342, MONDO:0012127, OMIM 608807.

Submission:

Labcorp Genetics (formerly Invitae), Labcorp
Classification: Likely pathogenic for Dilated cardiomyopathy 1G; Autosomal recessive limb-girdle muscular dystrophy type 2J. Last evaluated: 2024-07-17. Review status: criteria provided, single submitter. Criteria: Invitae Variant Classification Sherloc (09022015). Collection method: clinical testing. Allele origin: germline.
Comment: This sequence change creates a premature translational stop signal (p.Thr16700Asnfs*18) in the TTN gene. While this is not anticipated to result in nonsense mediated decay, it is expected to create a truncated TTN protein. This variant is not present in population databases (gnomAD no frequency). This variant has not been reported in the literature in individuals affected with TTN-related conditions. This variant is located in the A band of TTN (PMID: 25589632). Truncating variants in this region are significantly overrepresented in patients affected with dilated cardiomyopathy (PMID: 25589632). Truncating variants in this region have also been reported in individuals affected with autosomal recessive centronuclear myopathy (PMID: 23975875). In summary, the currently available evidence indicates that the variant is pathogenic, but additional data are needed to prove that conclusively. Therefore, this variant has been classified as Likely Pathogenic.

Literature cited by the submitters: PubMed 25589632; PubMed 23975875.